The following is an entry in ClinVar:

ClinVar aggregate classification (germline): Uncertain significance (1 of 4 stars; one submission).

Submission:

Labcorp Genetics (formerly Invitae), Labcorp
Classification: Uncertain significance. Last evaluated: 2022-10-25. Review status: criteria provided, single submitter. Criteria: Invitae Variant Classification Sherloc (09022015). Collection method: clinical testing. Allele origin: germline.
Comment: In summary, the available evidence is currently insufficient to determine the role of this variant in disease. Therefore, it has been classified as a Variant of Uncertain Significance. Experimental studies and prediction algorithms are not available or were not evaluated, and the functional significance of this variant is currently unknown. This variant has not been reported in the literature in individuals affected with TPRN-related conditions. This variant is present in population databases (rs772232586, gnomAD 0.007%). This variant, c.1443_1460del, results in the deletion of 6 amino acid(s) of the TPRN protein (p.Leu482_Pro487del), but otherwise preserves the integrity of the reading frame.

NM_001128228.3(TPRN):c.1443_1460del (p.Leu482_Pro487del)

Gene: TPRN (taperin; minus strand). Cytogenetic location: 9q34.3.
Variant type: Deletion.
Coding change: c.1443_1460del on transcript NM_001128228.3 (MANE Select); coding-DNA positions 1443 to 1460, 18 bases deleted (TCTGCACCCTGCCAGGCC).
Protein change: p.Leu482_Pro487del.
Molecular consequence: inframe deletion.
Genome position (GRCh38, 1-based): chr9:137,199,252-137,199,269, GGCCTGGCAGGGTGCAGA deleted on the plus strand (TCTGCACCCTGCCAGGCC on the coding strand, the reverse complement: TPRN is on the minus strand); deleting any 18 consecutive bases within chr9:137,199,252-137,199,284 gives the same sequence; the c. name uses the placement nearest the transcript's 3' end. VCF-style (leftmost placement, unchanged base first): chr9-137199251-GGGCCTGGCAGGGTGCAGA-G. GRCh37 (hg19) VCF-style: chr9-140093703-GGGCCTGGCAGGGTGCAGA-G.
Identifiers: ClinVar variation 2071144 (VCV002071144.3), dbSNP rs772232586, ClinGen allele CA5362732.